The following is an entry in ClinVar:

ClinVar aggregate classification (germline): Likely benign (0 of 4 stars; one submission).

Conditions:
CPZ-related disorder. Also called: CPZ-related condition.

Allele frequency attached by ClinVar (database versions not stated): 1000 Genomes Project 0.00080; ExAC 0.00081; gnomAD exomes 0.00086; TOPMed 0.00086; gnomAD 0.00092; ESP Exome Variant Server 0.00100.
gnomAD v4.1: 1,404 of 1,613,514 alleles (0.087%); highest among the groups gnomAD compares: South Asian, 0.17%; 5 homozygotes.

Submission:

PreventionGenetics, part of Exact Sciences
Classification: Likely benign for CPZ-related condition. Last evaluated: 2022-02-07. Review status: no assertion criteria provided. Collection method: clinical testing. Allele origin: germline.
Comment: This variant is classified as likely benign based on ACMG/AMP sequence variant interpretation guidelines (Richards et al. 2015 PMID: 25741868, with internal and published modifications).

NM_001014447.3(CPZ):c.1198A>G (p.Lys400Glu)

Gene: CPZ (carboxypeptidase Z; plus strand). Cytogenetic location: 4p16.1.
Variant type: single nucleotide variant.
Coding change: c.1198A>G on transcript NM_001014447.3 (MANE Select); coding-DNA position 1198, A replaced by G.
Protein change: p.Lys400Glu; replaces lysine 400 with glutamic acid.
Molecular consequence: missense variant.
Genome position (GRCh38, 1-based): chr4:8,607,396, A>G. VCF-style: chr4-8607396-A-G. GRCh37 (hg19) VCF-style: chr4-8609123-A-G.
Other names: c.787A>G, p.Lys263Glu (NM_001014448.3); c.1165A>G, p.Lys389Glu (NM_003652.4); short protein forms K263E, K389E, K400E.
Identifiers: ClinVar variation 3039390 (VCV003039390.2), dbSNP rs147815913, ClinGen allele CA2853591.